The following is an entry in ClinVar:

ClinVar aggregate classification (germline): Uncertain significance. Review status: criteria provided, multiple submitters, no conflicts (2 of 4 stars). 2 submissions from 2 submitters: Uncertain significance (2). Last evaluated 2024-03-28.

Conditions:
Kabuki syndrome 2 (KABUK2). Also called: KDM6A-Related Kabuki Syndrome. Identifiers: Orphanet 2322, MedGen C3275495, MONDO:0010465, OMIM 300867.

Allele frequency attached by ClinVar (database versions not stated): gnomAD 0.00001; ESP Exome Variant Server 0.00009; TOPMed below 0.00001.

Submissions (2):

Fulgent Genetics
Classification: Uncertain significance for Kabuki syndrome 2. Last evaluated: 2024-03-28. Review status: criteria provided, single submitter. Criteria: ACMG Guidelines, 2015. Collection method: clinical testing. Allele origin: germline.

Labcorp Genetics (formerly Invitae), Labcorp
Classification: Uncertain significance for Kabuki syndrome 2. Last evaluated: 2024-01-14. Review status: criteria provided, single submitter. Criteria: Invitae Variant Classification Sherloc (09022015). Collection method: clinical testing. Allele origin: germline.
Comment: This sequence change replaces valine, which is neutral and non-polar, with isoleucine, which is neutral and non-polar, at codon 1113 of the KDM6A protein (p.Val1113Ile). This variant is present in population databases (rs367925808, gnomAD 0.007%), including at least one homozygous and/or hemizygous individual. This variant has not been reported in the literature in individuals affected with KDM6A-related conditions. Advanced modeling of protein sequence and biophysical properties (such as structural, functional, and spatial information, amino acid conservation, physicochemical variation, residue mobility, and thermodynamic stability) has been performed at Invitae for this missense variant, however the output from this modeling did not meet the statistical confidence thresholds required to predict the impact of this variant on KDM6A protein function. In summary, the available evidence is currently insufficient to determine the role of this variant in disease. Therefore, it has been classified as a Variant of Uncertain Significance.

NM_001291415.2(KDM6A):c.3493G>A (p.Val1165Ile)

Gene: KDM6A (lysine demethylase 6A; plus strand). Cytogenetic location: Xp11.3.
Variant type: single nucleotide variant.
Coding change: c.3493G>A on transcript NM_001291415.2 (MANE Select); coding-DNA position 3493, G replaced by A.
Protein change: p.Val1165Ile; replaces valine 1165 with isoleucine.
Molecular consequence: missense variant. On other transcripts: non-coding transcript variant (1).
Genome position (GRCh38, 1-based): chrX:45,083,512, G>A. VCF-style: chrX-45083512-G-A. GRCh37 (hg19) VCF-style: chrX-44942757-G-A.
Other names: c.3337G>A (NM_021140.3); c.3358G>A, p.Val1120Ile (NM_001291416.2, NM_001419811.1); c.3202G>A, p.Val1068Ile (NM_001291417.2); c.3100G>A, p.Val1034Ile (NM_001291418.2, NM_001419815.1); c.2449G>A, p.Val817Ile (NM_001291421.2); c.3235G>A, p.Val1079Ile (NM_001410742.1, NM_001419814.1); c.3493G>A, p.Val1165Ile (NM_001419809.1); c.3391G>A, p.Val1131Ile (NM_001419810.1, NM_001419813.1); and 1 more; short protein forms V1079I, V1113I, V1131I, V1068I, V817I, V1034I, V1120I, V1165I.
Identifiers: ClinVar variation 2977852 (VCV002977852.4), dbSNP rs367925808, ClinGen allele CA10392685.
Genomic context (GRCh38, chrX:45,083,512, plus strand): 5'-TATTGCAGGTGGAAGTTGCAGCTACATGAGCTGACTAAACTTCCTGCTTTTGTGCGTGTC[G>A]TATCAGCAGGAAATCTTCTAAGCCATGTTGGTCATACCATATTGGGCATGAACACAGTTC-3'
Protein context (NP_001278344.1, residues 1155-1175): LTKLPAFVRV[Val1165Ile]SAGNLLSHVG